The following is an entry in ClinVar:

ClinVar aggregate classification (germline): Pathogenic. Review status: criteria provided, multiple submitters, no conflicts (2 of 4 stars). 2 submissions from 2 submitters: Pathogenic (2). Last evaluated 2025-05-05.

Conditions:
Hereditary cancer-predisposing syndrome. Also called: Hereditary Cancer Syndrome; Neoplastic Syndromes, Hereditary; Tumor predisposition; Hereditary neoplastic syndrome. Identifiers: Orphanet 140162, MedGen C0027672, MeSH D009386, MONDO:0015356.
BAP1-related tumor predisposition syndrome (TPDS1). Also called: Tumor susceptibility linked to germline BAP1 mutations; COMMON Syndrome; TUMOR PREDISPOSITION SYNDROME 1; BAP1 tumor predisposition syndrome. Identifiers: Orphanet 289539, MedGen C3280492, MONDO:0013692, OMIM 614327.

Submissions (2):

Labcorp Genetics (formerly Invitae), Labcorp
Classification: Pathogenic for BAP1-related tumor predisposition syndrome. Last evaluated: 2025-05-05. Review status: criteria provided, single submitter. Criteria: Invitae Variant Classification Sherloc (09022015). Collection method: clinical testing. Allele origin: germline.
Comment: This sequence change creates a premature translational stop signal (p.Ala258Tyrfs*2) in the BAP1 gene. It is expected to result in an absent or disrupted protein product. Loss-of-function variants in BAP1 are known to be pathogenic (PMID: 21874000, 23684012). This variant is not present in population databases (gnomAD no frequency). This premature translational stop signal has been observed in individual(s) with BAP1-related conditions (PMID: 28793149). ClinVar contains an entry for this variant (Variation ID: 480812). For these reasons, this variant has been classified as Pathogenic.

Ambry Genetics
Classification: Pathogenic for Hereditary cancer-predisposing syndrome. Last evaluated: 2023-08-03. Review status: criteria provided, single submitter. Criteria: Ambry Variant Classification Scheme 2023. Collection method: clinical testing. Allele origin: germline.
Comment: The c.771_772insTACTA pathogenic mutation, located in coding exon 9 of the BAP1 gene, results from an insertion of 5 nucleotides at position 771, causing a translational frameshift with a predicted alternate stop codon (p.A258Yfs*2). This alteration is expected to result in loss of function by premature protein truncation or nonsense-mediated mRNA decay. As such, this alteration is interpreted as a disease-causing mutation.

Literature cited by the submitters: PubMed 21874000 (cited by Labcorp Genetics (formerly Invitae), Labcorp); PubMed 23684012 (cited by Labcorp Genetics (formerly Invitae), Labcorp); PubMed 28793149 (cited by Labcorp Genetics (formerly Invitae), Labcorp).

NM_004656.4(BAP1):c.771_772insTACTA (p.Ala258delinsTyrTer)

Gene: BAP1 (BRCA1 associated deubiquitinase 1; minus strand). Cytogenetic location: 3p21.1.
Variant type: Insertion.
Coding change: c.771_772insTACTA on transcript NM_004656.4 (MANE Select); coding-DNA positions 771 to 772, TACTA inserted.
Protein change: p.Ala258delinsTyrTer.
Molecular consequence: nonsense.
Genome position: GRCh38 VCF-style: chr3-52406264-C-CTAGTA. GRCh37 (hg19) VCF-style: chr3-52440280-C-CTAGTA.
Other names: c.771_772insTACTA (LRG_529t1).
Identifiers: ClinVar variation 480812 (VCV000480812.13), dbSNP rs1553645586, ClinGen allele CA658657312.